The following is an entry in ClinVar:

NM_005215.4(DCC):c.1981C>T (p.Arg661Ter)

Gene: DCC (DCC netrin 1 receptor; plus strand). Cytogenetic location: 18q21.2.
Variant type: single nucleotide variant.
Coding change: c.1981C>T on transcript NM_005215.4 (MANE Select); coding-DNA position 1981, C replaced by T.
Protein change: p.Arg661Ter; replaces arginine 661 with a stop codon.
Molecular consequence: nonsense.
Genome position (GRCh38, 1-based): chr18:53,305,647, C>T. VCF-style: chr18-53305647-C-T. GRCh37 (hg19) VCF-style: chr18-50832017-C-T.
Other names: short protein forms R661*.
Identifiers: ClinVar variation 4850759 (VCV004850759.2).
Genomic context (GRCh38, chr18:53,305,647, plus strand): 5'-GTTAGCTGGCTGCCTCCTCCATCAGGAACACAAAATGGATTTATTACCGGCTATAAAATT[C>T]GACACAGAAAGACGACCCGCAGGGGTGAGATGGAAACACTGGAGCCAAACAACCTCTGGT-3'

ClinVar aggregate classification (germline): Pathogenic/Likely pathogenic. Review status: criteria provided, multiple submitters, no conflicts (2 of 4 stars). 2 submissions from 2 submitters: Pathogenic (1); Likely pathogenic (1). Last evaluated 2026-08-19.

Conditions:
Mirror movements 1 (MRMV1). Identifiers: Orphanet 238722, MedGen C1834870, OMIM 157600, MONDO:0008002.
Fetal anomalies with a likely genetic cause.

gnomAD v4.1: 3 of 1,613,780 alleles (0.00019%); highest among the groups gnomAD compares: East Asian, 0.0022%; no homozygotes.

Submissions (2):

Genetics Laboratory, Great Ormond Street Hospital NHS Foundation Trust, North Thames Genomic Laboratory Hub
Classification: Pathogenic for Fetal anomalies with a likely genetic cause. Last evaluated: 2026-08-19. Review status: criteria provided, single submitter. Criteria: ACGS Best Practice Guidelines for Variant Classification in Rare Disease 2024 v1.2. Collection method: clinical testing. Allele origin: germline. Affected: yes.
Comment: PVS1_very-strong, PS2_moderate

Variantyx, Inc.
Classification: Likely pathogenic for Mirror movements 1. Last evaluated: 2025-10-09. Review status: criteria provided, single submitter. Criteria: Variantyx Assertion Criteria 2022. Collection method: clinical testing. Allele origin: de novo. Inheritance: Autosomal dominant inheritance. Affected: yes.
Comment: This is a nonsense variant in the DCC gene (OMIM: 120470). Pathogenic variants in this gene have been associated with autosomal dominant mirror movements 1 and/or agenesis of the corpus callosum. This variant introduces a premature termination codon in exon 13 out of 29 and is expected to result in loss of function, which is a known disease mechanism for DCC in this disorder (PMID:24808016;28250456) (PVS1). This variant has a 0.0025% maximum allele frequency in non-founder control populations (PM2). Based on the current evidence, this variant is classified as likely pathogenic for autosomal dominant mirror movements 1 and/or agenesis of the corpus callosum.

Literature cited by the submitters: PubMed 28250456 (cited by Variantyx, Inc.); PubMed 24808016 (cited by Variantyx, Inc.).